The following is an entry in ClinVar:

NM_001905.4(CTPS1):c.1331T>A (p.Met444Lys)

Genes: CTPS1 (CTP synthase 1; plus strand), LOC126805717 (MED14-independent group 3 enhancer GRCh37_chr1:41472557-41473756; plus strand). Cytogenetic location: 1p34.2.
Variant type: single nucleotide variant.
Coding change: c.1331T>A on transcript NM_001905.4 (MANE Select); coding-DNA position 1331, T replaced by A.
Protein change: p.Met444Lys; replaces methionine 444 with lysine.
Molecular consequence: missense variant. On other transcripts: non-coding transcript variant (1).
Genome position (GRCh38, 1-based): chr1:41,007,483, T>A. VCF-style: chr1-41007483-T-A. GRCh37 (hg19) VCF-style: chr1-41473155-T-A.
Other names: c.1331T>A (NM_001905.2); c.863T>A, p.Met288Lys (NM_001301237.2); short protein forms M444K, M288K.
Identifiers: ClinVar variation 1958617 (VCV001958617.5), dbSNP rs1242533359, ClinGen allele CA339905929.

ClinVar aggregate classification (germline): Uncertain significance. Review status: criteria provided, multiple submitters, no conflicts (2 of 4 stars). 2 submissions from 2 submitters: Uncertain significance (2). Last evaluated 2023-01-23.

Conditions:
Combined immunodeficiency due to CTPS1 deficiency. Also called: Severe combined immunodeficiency due to CTPS1 deficiency; Immunodeficiency 24. Identifiers: Orphanet 420573, MedGen C4014617, MONDO:0014391, OMIM 615897.

Allele frequency attached by ClinVar (database versions not stated): TOPMed below 0.00001; gnomAD 0.00001.
gnomAD v4.1: 4 of 1,614,006 alleles (0.00025%); highest among the groups gnomAD compares: Non-Finnish European, 0.00034%; no homozygotes.

Submissions (2):

Ambry Genetics
Classification: Uncertain significance. Last evaluated: 2023-01-23. Review status: criteria provided, single submitter. Criteria: Ambry Variant Classification Scheme 2023. Collection method: clinical testing. Allele origin: germline.

Labcorp Genetics (formerly Invitae), Labcorp
Classification: Uncertain significance for Combined immunodeficiency due to CTPS1 deficiency. Last evaluated: 2022-05-13. Review status: criteria provided, single submitter. Criteria: Invitae Variant Classification Sherloc (09022015). Collection method: clinical testing. Allele origin: germline.
Comment: This sequence change replaces methionine, which is neutral and non-polar, with lysine, which is basic and polar, at codon 444 of the CTPS1 protein (p.Met444Lys). This variant is present in population databases (no rsID available, gnomAD 0.0009%). This variant has not been reported in the literature in individuals affected with CTPS1-related conditions. Algorithms developed to predict the effect of missense changes on protein structure and function are either unavailable or do not agree on the potential impact of this missense change (SIFT: "Deleterious"; PolyPhen-2: "Benign"; Align-GVGD: "Class C0"). In summary, the available evidence is currently insufficient to determine the role of this variant in disease. Therefore, it has been classified as a Variant of Uncertain Significance.